The following is an entry in ClinVar:

NM_001009999.3(KDM1A):c.142G>T (p.Ala48Ser)

Gene: KDM1A (lysine demethylase 1A; plus strand). Cytogenetic location: 1p36.12.
Variant type: single nucleotide variant.
Coding change: c.142G>T on transcript NM_001009999.3 (MANE Select); coding-DNA position 142, G replaced by T.
Protein change: p.Ala48Ser; replaces alanine 48 with serine.
Molecular consequence: missense variant.
Genome position (GRCh38, 1-based): chr1:23,019,738, G>T. VCF-style: chr1-23019738-G-T. GRCh37 (hg19) VCF-style: chr1-23346231-G-T.
Other names: c.142G>T, p.Ala48Ser (NM_001410763.1, NM_015013.4, NM_001363654.2 and 1 more transcripts); short protein forms A48S.
Identifiers: ClinVar variation 4082458 (VCV004082458.2).

ClinVar aggregate classification (germline): Uncertain significance (1 of 4 stars; one submission).

gnomAD v4.1: 77 of 1,334,816 alleles (0.0058%); highest among the groups gnomAD compares: East Asian, 0.24%; no homozygotes.

Submission:

Genetic Services Laboratory, University of Chicago
Classification: Uncertain significance. Last evaluated: 2023-03-06. Review status: criteria provided, single submitter. Criteria: ACMG Guidelines, 2015. Collection method: clinical testing. Allele origin: germline. Affected: no.
Comment: DNA sequence analysis of the KDM1A gene demonstrated a sequence change, c.142G>T, in exon 1 that results in an amino acid change, p.Ala48Ser. This sequence change does not appear to have been previously described in individuals with KDM1A-related disorders. It has not been described in population databases such as ExAC and gnomAD; however, the data for this variant in the population databases is considered unreliable (dbSNP rs1170657147). The p.Ala48Ser change affects a poorly conserved amino acid residue located in a domain of the KDM1A protein that is known to be functional. The p.Ala48Ser substitution appears to be benign using several in-silico pathogenicity prediction tools (SIFT, Align GVGD, REVEL). Due to insufficient evidence and the lack of functional studies, the clinical significance of the p.Ala48Ser change remains unknown at this time.